The following is an entry in ClinVar:

ClinVar aggregate classification (germline): Pathogenic. Review status: criteria provided, single submitter (1 of 4 stars). 2 submissions from 2 submitters: Pathogenic (1). 1 of the submissions does not count toward it. Last evaluated 2018-12-31.

Conditions:
Kabuki syndrome 2 (KABUK2). Also called: KDM6A-Related Kabuki Syndrome. Identifiers: Orphanet 2322, MedGen C3275495, MONDO:0010465, OMIM 300867.

Submissions (2):

Genetic Services Laboratory, University of Chicago
Classification: Pathogenic. Last evaluated: 2018-12-31. Review status: criteria provided, single submitter. Criteria: ACMG Guidelines, 2015. Collection method: clinical testing. Allele origin: germline. Affected: yes.
Comment: DNA sequence analysis of the KDM6A gene demonstrated a four base pair deletion in exon 17, c.2515_2518del. This pathogenic sequence change results in an amino acid frameshift and creates a premature stop codon 26 amino acids downstream of the mutation, p.Asn839Valfs*27. This pathogenic sequence change is predicted to result in an abnormal transcript, which may be degraded, or may lead to the production of a truncated KDM6A protein with potentially abnormal function. This pathogenic sequence change has previously been described in a family with KDM6A-related Kabuki syndrome (PMID: 24664873). This pathogenic sequence change results in an amino acid frameshift and creates a premature stop codon 26 amino acids downstream of the mutation, p.Asn839Valfs*27. This pathogenic sequence change is predicted to result in an abnormal transcript, which may be degraded, or may lead to the production of a truncated KDM6A protein with potentially abnormal function. This pathogenic sequence change has previously been described in a family with KDM6A-related Kabuki syndrome (PMID: 24664873).

OMIM
Classification: Pathogenic for KABUKI SYNDROME 2. Last evaluated: 2014-05-01. Review status: no assertion criteria provided. Collection method: literature only. Allele origin: germline. Not counted in ClinVar's aggregate classification.

Literature cited by the submitters: PubMed 24664873 (cited by OMIM).

NM_001291415.2(KDM6A):c.2671_2674del (p.Asn891fs)

Gene: KDM6A (lysine demethylase 6A; plus strand). Cytogenetic location: Xp11.3.
Variant type: Deletion.
Coding change: c.2671_2674del on transcript NM_001291415.2 (MANE Select); coding-DNA positions 2671 to 2674, 4 bases deleted (AACA; older notation c.2671_2674delAACA).
Protein change: p.Asn891fs; shifts the reading frame from asparagine 891.
Molecular consequence: frameshift variant. On other transcripts: non-coding transcript variant (1).
Genome position (GRCh38, 1-based): chrX:45,070,170-45,070,173, AACA deleted; deleting any 4 consecutive bases within chrX:45,070,167-45,070,173 gives the same sequence; the c. name uses the placement nearest the transcript's 3' end. VCF-style (leftmost placement, unchanged base first): chrX-45070166-CACAA-C. GRCh37 (hg19) VCF-style: chrX-44929411-CACAA-C.
Other names: c.2536_2539del, p.Asn846fs (NM_001291416.2); c.2380_2383del, p.Asn794fs (NM_001291417.2); c.2278_2281del, p.Asn760fs (NM_001291418.2); c.1627_1630del, p.Asn543fs (NM_001291421.2); c.2515_2518del, p.Asn839fs (NM_021140.4); short protein forms N543fs, N760fs, N846fs, N891fs, N794fs, N839fs.
Identifiers: ClinVar variation 190247 (VCV000190247.5), dbSNP rs786205676, ClinGen allele CA199644.
Genomic context (GRCh38, chrX:45,070,166, plus strand): 5'-TTCACCATCTTCAGCCATTTCAACAGCAACACCTTCTCCAAAATCCACTGAGCAGACAAC[CACAA>C]ACAGTGTTACCAGCCTTAACAGCCCTCACAGTGGGCTACACACAATTAATGGAGAAGGGA-3'